The following is an entry in ClinVar:

ClinVar aggregate classification (germline): Uncertain significance (1 of 4 stars; one submission).

Conditions:
Cernunnos-XLF deficiency (IMD124). Also called: NHEJ1 SYNDROME; Severe combined immunodeficiency with sensitivity to ionizing radiation due to NHEJ1 deficiency; SCID, autosomal recessive, T cell-negative, B cell-negative, NK cell-positive, and sensitivity to ionizing radiation due to NHEJ1 deficiency; IMMUNODEFICIENCY 124, SEVERE COMBINED; SCID, AUTOSOMAL RECESSIVE, T CELL-NEGATIVE, B CELL-NEGATIVE, NK CELL-POSITIVE, WITH MICROCEPHALY, GROWTH RETARDATION, AND SENSITIVITY TO IONIZING RADIATION. Identifiers: Orphanet 169079, MedGen C1969799, MONDO:0012650, OMIM 611291.

gnomAD v4.1: 4 of 1,613,046 alleles (0.00025%); highest among the groups gnomAD compares: South Asian, 0.0033%; no homozygotes.

Submission:

Labcorp Genetics (formerly Invitae), Labcorp
Classification: Uncertain significance for Cernunnos-XLF deficiency. Last evaluated: 2025-12-25. Review status: criteria provided, single submitter. Criteria: Invitae Variant Classification Sherloc (09022015). Collection method: clinical testing. Allele origin: germline.
Comment: This sequence change replaces leucine, which is neutral and non-polar, with arginine, which is basic and polar, at codon 130 of the NHEJ1 protein (p.Leu130Arg). This variant is present in population databases (rs764242266, gnomAD 0.006%). This variant has not been reported in the literature in individuals affected with NHEJ1-related conditions. An algorithm developed to predict the effect of missense changes on protein structure and function (PolyPhen-2) suggests that this variant is likely to be disruptive. In summary, the available evidence is currently insufficient to determine the role of this variant in disease. Therefore, it has been classified as a Variant of Uncertain Significance.

NM_024782.3(NHEJ1):c.389T>G (p.Leu130Arg)

Gene: NHEJ1 (non-homologous end joining factor 1; minus strand). Cytogenetic location: 2q35.
Variant type: single nucleotide variant.
Coding change: c.389T>G on transcript NM_024782.3 (MANE Select); coding-DNA position 389, T replaced by G.
Protein change: p.Leu130Arg; replaces leucine 130 with arginine.
Molecular consequence: missense variant. On other transcripts: non-coding transcript variant (1).
Genome position (GRCh38, 1-based): chr2:219,157,473, A>C on the plus strand (T>G on the coding strand, the complement: NHEJ1 is on the minus strand). VCF-style: chr2-219157473-A-C. GRCh37 (hg19) VCF-style: chr2-220022195-A-C.
Other names: c.389T>G, p.Leu130Arg (NM_001377498.1, NM_001377499.1); short protein forms L130R.
Identifiers: ClinVar variation 4773478 (VCV004773478.1).
Genomic context (GRCh38, chr2:219,157,473, plus strand): 5'-AGCTTCCTCTCAAAGCAACTGGCATCCCTCCCCCAACCCCACATTCGAATTACACTTACC[A>C]GGGAAGGACTAGCTAGCATGCAGTGGAAATTCCAATAGAAGGGGAGGCCAGAGAGCTCAC-3'
Protein context (NP_079058.1, residues 120-140): NFHCMLASPS[Leu130Arg]VSQHLIRPLM